The following is an entry in ClinVar:

NM_000059.4(BRCA2):c.2596G>T (p.Glu866Ter)

Gene: BRCA2 (BRCA2 DNA repair associated; plus strand). Cytogenetic location: 13q13.1.
Variant type: single nucleotide variant.
Coding change: c.2596G>T on transcript NM_000059.4 (MANE Select); coding-DNA position 2596, G replaced by T.
Protein change: p.Glu866Ter; replaces glutamic acid 866 with a stop codon.
Molecular consequence: nonsense.
Genome position (GRCh38, 1-based): chr13:32,336,951, G>T. VCF-style: chr13-32336951-G-T. GRCh37 (hg19) VCF-style: chr13-32911088-G-T.
Other names: short protein forms E866*.
Identifiers: ClinVar variation 483089 (VCV000483089.5), dbSNP rs864622476, ClinGen allele CA387772621.
Genomic context (GRCh38, chr13:32,336,951, plus strand): 5'-TCAAGAAAGGTACAATTCAACCAAAACACAAATCTAAGAGTAATCCAAAAAAATCAAGAA[G>T]AAACTACTTCAATTTCAAAAATAACTGTCAATCCAGACTCTGAAGAACTTTTCTCAGACA-3'

ClinVar aggregate classification (germline): Pathogenic (1 of 4 stars; one submission).

Conditions:
Hereditary cancer-predisposing syndrome. Also called: Neoplastic Syndromes, Hereditary; Tumor predisposition; Hereditary Cancer Syndrome; Hereditary neoplastic syndrome. Identifiers: Orphanet 140162, MedGen C0027672, MeSH D009386, MONDO:0015356.

Submission:

Ambry Genetics
Classification: Pathogenic for Hereditary cancer-predisposing syndrome. Last evaluated: 2017-03-10. Review status: criteria provided, single submitter. Criteria: Ambry Variant Classification Scheme 2023. Collection method: clinical testing. Allele origin: germline.
Comment: The p.E866* pathogenic mutation (also known as c.2596G>T), located in coding exon 10 of the BRCA2 gene, results from a G to T substitution at nucleotide position 2596. This changes the amino acid from a glutamic acid to a stop codon within coding exon 10. This alteration is expected to result in loss of function by premature protein truncation or nonsense-mediated mRNA decay. As such, this alteration is interpreted as a disease-causing mutation.